The following is an entry in ClinVar:

ClinVar aggregate classification (germline): Uncertain significance (1 of 4 stars; one submission).

Conditions:
Long QT syndrome (LQTS). Identifiers: MedGen C0023976, MeSH D008133, MONDO:0002442. Disease mechanism: loss of function. Inheritance: Various modes of inheritance.

Allele frequency attached by ClinVar (database versions not stated): gnomAD exomes below 0.00001.
gnomAD v4.1: 1 of 1,590,764 alleles (0.000063%); highest among the groups gnomAD compares: East Asian, 0.0022%; no homozygotes.

Submission:

Labcorp Genetics (formerly Invitae), Labcorp
Classification: Uncertain significance for Long QT syndrome. Last evaluated: 2023-03-19. Review status: criteria provided, single submitter. Criteria: Invitae Variant Classification Sherloc (09022015). Collection method: clinical testing. Allele origin: germline.
Comment: This sequence change replaces glutamine, which is neutral and polar, with proline, which is neutral and non-polar, at codon 743 of the AKAP9 protein (p.Gln743Pro). This variant is present in population databases (no rsID available, gnomAD 0.006%). This variant has not been reported in the literature in individuals affected with AKAP9-related conditions. An algorithm developed to predict the effect of missense changes on protein structure and function (PolyPhen-2) suggests that this variant is likely to be disruptive. In summary, the available evidence is currently insufficient to determine the role of this variant in disease. Therefore, it has been classified as a Variant of Uncertain Significance.

NM_005751.5(AKAP9):c.2228A>C (p.Gln743Pro)

Gene: AKAP9 (A-kinase anchoring protein 9; plus strand). Cytogenetic location: 7q21.2.
Variant type: single nucleotide variant.
Coding change: c.2228A>C on transcript NM_005751.5 (MANE Select); coding-DNA position 2228, A replaced by C.
Protein change: p.Gln743Pro; replaces glutamine 743 with proline.
Molecular consequence: missense variant.
Genome position (GRCh38, 1-based): chr7:92,002,145, A>C. VCF-style: chr7-92002145-A-C. GRCh37 (hg19) VCF-style: chr7-91631459-A-C.
Other names: c.2228A>C, p.Gln743Pro (NM_147185.3); short protein forms Q743P.
Identifiers: ClinVar variation 2814588 (VCV002814588.3), dbSNP rs1346823176, ClinGen allele CA368123621.
Genomic context (GRCh38, chr7:92,002,145, plus strand): 5'-AACTTCAAAAAGAAATTGAAATACTCAGACAAGAAGAAAAAGAAAAGGGTACACTTGAAC[A>C]AGAAGTTCAAGAATTACAACTTAAAACAGAATTGTTAGAAAAACAGATGAAGGAAAAAGA-3'
Protein context (NP_005742.4, residues 733-753): QEEKEKGTLE[Gln743Pro]EVQELQLKTE